The following is an entry in ClinVar:

NM_001372.4(DNAH9):c.3805G>A (p.Glu1269Lys)

Gene: DNAH9 (dynein axonemal heavy chain 9; plus strand). Cytogenetic location: 17p12.
Variant type: single nucleotide variant.
Coding change: c.3805G>A on transcript NM_001372.4 (MANE Select); coding-DNA position 3805, G replaced by A.
Protein change: p.Glu1269Lys; replaces glutamic acid 1269 with lysine.
Molecular consequence: missense variant.
Genome position (GRCh38, 1-based): chr17:11,689,627, G>A. VCF-style: chr17-11689627-G-A. GRCh37 (hg19) VCF-style: chr17-11592944-G-A.
Other names: short protein forms E1269K.
Identifiers: ClinVar variation 1715417 (VCV001715417.5), dbSNP rs2544409993, ClinGen allele CA398185761.

ClinVar aggregate classification (germline): Uncertain significance (1 of 4 stars; one submission).

Submission:

Labcorp Genetics (formerly Invitae), Labcorp
Classification: Uncertain significance. Last evaluated: 2022-08-08. Review status: criteria provided, single submitter. Criteria: Invitae Variant Classification Sherloc (09022015). Collection method: clinical testing. Allele origin: germline.
Comment: In summary, the available evidence is currently insufficient to determine the role of this variant in disease. Therefore, it has been classified as a Variant of Uncertain Significance. Algorithms developed to predict the effect of missense changes on protein structure and function (SIFT, PolyPhen-2, Align-GVGD) all suggest that this variant is likely to be tolerated. This variant has not been reported in the literature in individuals affected with DNAH9-related conditions. This variant is not present in population databases (gnomAD no frequency). This sequence change replaces glutamic acid, which is acidic and polar, with lysine, which is basic and polar, at codon 1269 of the DNAH9 protein (p.Glu1269Lys).